The following is an entry in ClinVar:

NM_001164508.2(NEB):c.8750_8751insGCAGCAG (p.Asp2917fs)

Gene: NEB (nebulin; minus strand). Cytogenetic location: 2q23.3.
Variant type: Insertion.
Coding change: c.8750_8751insGCAGCAG on transcript NM_001164508.2 (MANE Select); coding-DNA positions 8750 to 8751, GCAGCAG inserted.
Protein change: p.Asp2917fs; shifts the reading frame from aspartic acid 2917.
Molecular consequence: frameshift variant.
Genome position: GRCh38 VCF-style: chr2-151639995-A-ACTGCTGC. GRCh37 (hg19) VCF-style: chr2-152496509-A-ACTGCTGC.
Other names: c.8750_8751insGCAGCAG, p.Asp2917fs (NM_001164507.2, NM_001271208.2, NM_004543.5); short protein forms D2917fs.
Identifiers: ClinVar variation 1726394 (VCV001726394.2), dbSNP rs2552243483, ClinGen allele CA2580064022.

ClinVar aggregate classification (germline): Likely pathogenic (1 of 4 stars; one submission).

Conditions:
Nemaline myopathy 2 (NEM2). Also called: Nemaline myopathy 2, autosomal recessive. Identifiers: MedGen C1850569, MONDO:0009725, OMIM 256030.

Submission:

Myriad Genetics, Inc.
Classification: Likely pathogenic for Nemaline myopathy 2. Last evaluated: 2021-12-17. Review status: criteria provided, single submitter. Criteria: Myriad Women's Health Autosomal Recessive and X-Linked Classification Criteria (2021). Collection method: clinical testing. Allele origin: unknown.
Comment: NM_001271208.1(NEB):c.8750_8751ins7(D2917Efs*12) is expected to be pathogenic in the context of NEB-related nemaline myopathy. This variant is predicted to lead to an abnormal or absent protein product due to the creation of a premature termination codon in NEB, a gene where loss-of-function variants are known to be pathogenic. Please note: this variant was assessed in the context of healthy population screening.